The following is an entry in ClinVar:

ClinVar aggregate classification (germline): Likely pathogenic. Review status: criteria provided, multiple submitters, no conflicts (2 of 4 stars). 3 submissions from 3 submitters: Likely pathogenic (3). Last evaluated 2025-12-17.

Conditions:
Cardiovascular phenotype. Identifiers: MedGen CN230736.
TTN-related disorder. Also called: TTN-related disorders; TTN-related condition; TTN-related disease.
Dilated cardiomyopathy 1G (CMD1G). Identifiers: Orphanet 154, MedGen C1858763, MONDO:0011400, OMIM 604145.
Autosomal recessive limb-girdle muscular dystrophy type 2J (LGMDR10). Also called: Limb-girdle muscular dystrophy, type 2J; MUSCULAR DYSTROPHY, LIMB-GIRDLE, AUTOSOMAL RECESSIVE 10. Identifiers: Orphanet 140922, MedGen C1837342, MONDO:0012127, OMIM 608807.

Submissions (3):

PreventionGenetics, part of Exact Sciences
Classification: Likely pathogenic for TTN-related condition. Last evaluated: 2025-12-17. Review status: criteria provided, single submitter. Criteria: ACMG Guidelines, 2015. Collection method: clinical testing. Allele origin: germline.
Comment: The TTN c.99041delG variant is predicted to result in a frameshift and premature protein termination (p.Ser33014Metfs*47). To our knowledge, this variant has not been reported in the literature or in a large population database (gnomAD), indicating this variant is rare. This variant is located in the A-band region of the protein in which truncating TTN variants have been found more frequently in dilated cardiomyopathy patients than in controls (Herman et al. 2012. PubMed ID: 22335739). RNAseq studies from heart tissue indicate this exon is commonly included in TTN mRNA transcripts (PSI of 100%, Roberts et al. 2015. PubMed ID: 25589632). TTN loss-of-function variants occurring in constitutively expressed exons (PSI > 90%) are more likely to be disease causing for TTN cardiac-related disorders regardless of band location (Roberts et al. 2015. PubMed ID: 25589632; Schafer et al. 2017. PubMed ID: 27869827; Akhtar et al. 2020. PubMed ID: 32964742). Many cases of recessive TTN-related myopathies in which the individual is compound heterozygous for two loss-of-function variants in TTN have also been reported (Ge et al. 2019. PubMed ID: 31053406; Oates et al. 2018. PubMed ID: 29691892; Rees et al. 2021. PubMed ID: 33449170). In summary, this variant is categorized as likely pathogenic. Of note, this variant is considered likely pathogenic for increased risk of TTN- related cardiac disorders, and also for autosomal recessive TTN-related congenital titinopathies.

Labcorp Genetics (formerly Invitae), Labcorp
Classification: Likely pathogenic for Dilated cardiomyopathy 1G; Autosomal recessive limb-girdle muscular dystrophy type 2J. Last evaluated: 2025-10-15. Review status: criteria provided, single submitter. Criteria: Invitae Variant Classification Sherloc (09022015). Collection method: clinical testing. Allele origin: germline.
Comment: This sequence change creates a premature translational stop signal (p.Ser33014Metfs*47) in the TTN gene. While this is not anticipated to result in nonsense mediated decay, it is expected to create a truncated TTN protein. This variant is not present in population databases (gnomAD no frequency). This variant has not been reported in the literature in individuals affected with TTN-related conditions. ClinVar contains an entry for this variant (Variation ID: 1066012). This variant is located in the A band of TTN (PMID: 25589632). Truncating variants in this region are significantly overrepresented in patients affected with dilated cardiomyopathy (PMID: 25589632). Truncating variants in this region have also been reported in individuals affected with autosomal recessive centronuclear myopathy (PMID: 23975875). In summary, the currently available evidence indicates that the variant is pathogenic, but additional data are needed to prove that conclusively. Therefore, this variant has been classified as Likely Pathogenic.

Ambry Genetics
Classification: Likely pathogenic for Cardiovascular phenotype. Last evaluated: 2023-09-20. Review status: criteria provided, single submitter. Criteria: Ambry Variant Classification Scheme 2023. Collection method: clinical testing. Allele origin: germline.
Comment: The c.71846delG variant, located in coding exon 181 of the TTN gene, results from a deletion of one nucleotide at nucleotide position 71846, causing a translational frameshift with a predicted alternate stop codon (p.S23949Mfs*47). This exon is located in the A-band region of the N2-B isoform of the titin protein and is constitutively expressed in TTN transcripts (percent spliced in or PSI 100%). This alteration is expected to result in loss of function by premature protein truncation or nonsense-mediated mRNA decay. While truncating variants in TTN are present in 1-3% of the general population, truncating variants in the A-band are the most common cause of dilated cardiomyopathy (DCM) (Herman DS et al. N. Engl. J. Med., 2012 Feb;366:619-28; Roberts AM et al. Sci Transl Med, 2015 Jan;7:270ra6). TTN truncating variants encoded in constitutive exons (PSI >90%) have been found to be significantly associated with DCM regardless of their position in titin (Schafer S et al. Nat. Genet., 2017 01;49:46-53). This variant is considered to be rare based on population cohorts in the Genome Aggregation Database (gnomAD). Based on the majority of available evidence to date, this variant is likely to be pathogenic.

Literature cited by the submitters: PubMed 25589632 (cited by Labcorp Genetics (formerly Invitae), Labcorp); PubMed 23975875 (cited by Labcorp Genetics (formerly Invitae), Labcorp).

NM_001267550.2(TTN):c.99041del (p.Ser33014fs)

Genes: TTN (titin; minus strand), TTN-AS1 (TTN antisense RNA 1; plus strand). Cytogenetic location: 2q31.2.
Variant type: Deletion.
Coding change: c.99041del on transcript NM_001267550.2 (MANE Select); coding-DNA position 99041, one base deleted (G; older notation c.99041delG).
Protein change: p.Ser33014fs; shifts the reading frame from serine 33014.
Molecular consequence: frameshift variant. On other transcripts: non-coding transcript variant (1).
Genome position (GRCh38, 1-based): chr2:178,538,788, C deleted on the plus strand (G on the coding strand, the reverse complement: TTN is on the minus strand). VCF-style (leftmost placement, unchanged base first): chr2-178538787-AC-A. GRCh37 (hg19) VCF-style: chr2-179403514-AC-A.
Other names: c.94118del, p.Ser31373fs (NM_001256850.1); c.71846del, p.Ser23949fs (NM_003319.4); c.91337del, p.Ser30446fs (NM_133378.4); c.72221del, p.Ser24074fs (NM_133432.3); c.72422del, p.Ser24141fs (NM_133437.4); c.71846delG (NM_003319.4); c.99041delG (NM_001267550.2); short protein forms S23949fs, S24074fs, S24141fs, S30446fs, S31373fs, S33014fs.
Identifiers: ClinVar variation 1066012 (VCV001066012.11), dbSNP rs2154139357, ClinGen allele CA2499215297.
Genomic context (GRCh38, chr2:178,538,787, plus strand): 5'-CCAGTATCCAAGAATTTCTTTACCACCATCACATTCAGGTTTCTCCCACTGTAGAGTGAC[AC>A]TATCTTTGGATATTGAAAGAATCTCAAGTTCTCCTGGTTGGCTTGGTTTATCTGAAATAT-3'